The following is an entry in ClinVar:

ClinVar aggregate classification (germline): Uncertain significance (1 of 4 stars; one submission).

Allele frequency attached by ClinVar (database versions not stated): TOPMed below 0.00001; gnomAD 0.00001; gnomAD exomes 0.00001; ExAC 0.00002.
gnomAD v4.1: 10 of 1,611,566 alleles (0.00062%); highest among the groups gnomAD compares: South Asian, 0.0055%; no homozygotes.

Submission:

Labcorp Genetics (formerly Invitae), Labcorp
Classification: Uncertain significance. Last evaluated: 2023-01-23. Review status: criteria provided, single submitter. Criteria: Invitae Variant Classification Sherloc (09022015). Collection method: clinical testing. Allele origin: germline.
Comment: In summary, the available evidence is currently insufficient to determine the role of this variant in disease. Therefore, it has been classified as a Variant of Uncertain Significance. Algorithms developed to predict the effect of missense changes on protein structure and function output the following: SIFT: "Tolerated"; PolyPhen-2: "Benign"; Align-GVGD: "Class C0". The lysine amino acid residue is found in multiple mammalian species, which suggests that this missense change does not adversely affect protein function. ClinVar contains an entry for this variant (Variation ID: 1376460). This variant has not been reported in the literature in individuals affected with CAPN5-related conditions. This variant is present in population databases (rs782296700, gnomAD 0.006%). This sequence change replaces glutamic acid, which is acidic and polar, with lysine, which is basic and polar, at codon 561 of the CAPN5 protein (p.Glu561Lys).

NM_004055.5(CAPN5):c.1681G>A (p.Glu561Lys)

Gene: CAPN5 (calpain 5; plus strand). Cytogenetic location: 11q13.5.
Variant type: single nucleotide variant.
Coding change: c.1681G>A on transcript NM_004055.5 (MANE Select); coding-DNA position 1681, G replaced by A.
Protein change: p.Glu561Lys; replaces glutamic acid 561 with lysine.
Molecular consequence: missense variant.
Genome position (GRCh38, 1-based): chr11:77,122,653, G>A. VCF-style: chr11-77122653-G-A. GRCh37 (hg19) VCF-style: chr11-76833699-G-A.
Other names: short protein forms E561K.
Identifiers: ClinVar variation 1376460 (VCV001376460.6), dbSNP rs782296700, ClinGen allele CA6196878.